The following is an entry in ClinVar:

NM_173628.4(DNAH17):c.3302C>G (p.Ala1101Gly)

Gene: DNAH17 (dynein axonemal heavy chain 17; minus strand). Cytogenetic location: 17q25.3.
Variant type: single nucleotide variant.
Coding change: c.3302C>G on transcript NM_173628.4 (MANE Select); coding-DNA position 3302, C replaced by G.
Protein change: p.Ala1101Gly; replaces alanine 1101 with glycine.
Molecular consequence: missense variant.
Genome position (GRCh38, 1-based): chr17:78,529,677, G>C on the plus strand (C>G on the coding strand, the complement: DNAH17 is on the minus strand). VCF-style: chr17-78529677-G-C. GRCh37 (hg19) VCF-style: chr17-76525759-G-C.
Other names: short protein forms A1101G.
Identifiers: ClinVar variation 402695 (VCV000402695.7), dbSNP rs61741523, ClinGen allele CA8804248.

ClinVar aggregate classification (germline): Benign. Review status: criteria provided, multiple submitters, no conflicts (2 of 4 stars). 3 submissions from 3 submitters: Benign (2). 1 of the submissions does not count toward it. Last evaluated 2016-03-29.

Conditions:
DNAH17-related disorder. Also called: DNAH17-related condition.

Allele frequency attached by ClinVar (database versions not stated): 1000 Genomes Project 0.12640; 1000 Genomes Project 30x 0.12680; gnomAD 0.12730; TOPMed 0.14278; ESP Exome Variant Server 0.14309; ExAC 0.16571.
gnomAD v4.1: 286,670 of 1,613,568 alleles (18%); highest among the groups gnomAD compares: South Asian, 22%; 27,216 homozygotes.

Submissions (3):

Laboratory for Molecular Medicine, Mass General Brigham Personalized Medicine
Classification: Benign. Last evaluated: 2016-03-29. Review status: criteria provided, single submitter. Criteria: LMM Criteria. Collection method: clinical testing. Allele origin: germline.
Comment: Variant identified in a genome or exome case(s) and assessed due to predicted null impact of the variant or pathogenic assertions in the literature or databases. Disclaimer: This variant has not undergone full assessment. The following are preliminary notes: Frequency

Breakthrough Genomics
Classification: Benign. Review status: criteria provided, single submitter. Criteria: ACMG Guidelines, 2015. Collection method: not provided. Allele origin: germline. Inheritance: Autosomal recessive inheritance. Affected: yes.

PreventionGenetics, part of Exact Sciences
Classification: Benign for DNAH17-related condition. Last evaluated: 2019-10-18. Review status: no assertion criteria provided. Collection method: clinical testing. Allele origin: germline. Not counted in ClinVar's aggregate classification.
Comment: This variant is classified as benign based on ACMG/AMP sequence variant interpretation guidelines (Richards et al. 2015 PMID: 25741868, with internal and published modifications).